The following is an entry in ClinVar:

NM_000701.8(ATP1A1):c.65A>G (p.Lys22Arg)

Gene: ATP1A1 (ATPase Na+/K+ transporting subunit alpha 1; plus strand). Cytogenetic location: 1p13.1.
Variant type: single nucleotide variant.
Coding change: c.65A>G on transcript NM_000701.8 (MANE Select); coding-DNA position 65, A replaced by G.
Protein change: p.Lys22Arg; replaces lysine 22 with arginine.
Molecular consequence: missense variant. On other transcripts: 5 prime UTR variant (1).
Genome position (GRCh38, 1-based): chr1:116,384,066, A>G. VCF-style: chr1-116384066-A-G. GRCh37 (hg19) VCF-style: chr1-116926688-A-G.
Other names: c.65A>G, p.Lys22Arg (NM_001160233.2); c.-29A>G (NM_001160234.2); short protein forms K22R.
Identifiers: ClinVar variation 3896782 (VCV003896782.1).
Genomic context (GRCh38, chr1:116,384,066, plus strand): 5'-TCCTACAGGTTGGACGTGATAAGTATGAGCCTGCAGCTGTTTCAGAACAAGGTGATAAAA[A>G]GGGCAAAAAGGGCAAAAAAGACAGGGACATGGATGAACTGAAGAAAGAAGTTTCTATGGT-3'
Protein context (NP_000692.2, residues 12-32): PAAVSEQGDK[Lys22Arg]GKKGKKDRDM

ClinVar aggregate classification (germline): Uncertain significance (1 of 4 stars; one submission).

Conditions:
Charcot-Marie-tooth disease, axonal, type 2DD. Also called: CHARCOT-MARIE-TOOTH NEUROPATHY, TYPE 2DD. Identifiers: Orphanet 521414, MedGen C4747974, MONDO:0054833, OMIM 618036.

gnomAD v4.1: 1 of 1,614,068 alleles (0.000062%); no homozygotes.

Submission:

Kariminejad - Najmabadi Pathology & Genetics Center
Classification: Uncertain significance for Charcot-Marie-tooth disease, axonal, type 2DD. Last evaluated: 2024-03-16. Review status: criteria provided, single submitter. Criteria: ACMG Guidelines, 2015. Collection method: clinical testing. Allele origin: germline. Inheritance: Autosomal dominant inheritance. Affected: yes.
Comment: PM2